The following is an entry in ClinVar:

ClinVar aggregate classification (germline): Pathogenic (1 of 4 stars; one submission).

Conditions:
Primary ciliary dyskinesia. Also called: Ciliary dyskinesia. Identifiers: Orphanet 244, MedGen C0008780, MONDO:0016575, HP:0012265.

Submission:

Labcorp Genetics (formerly Invitae), Labcorp
Classification: Pathogenic for Primary ciliary dyskinesia. Last evaluated: 2023-09-03. Review status: criteria provided, single submitter. Criteria: Invitae Variant Classification Sherloc (09022015). Collection method: clinical testing. Allele origin: germline.
Comment: This sequence change creates a premature translational stop signal (p.Arg108Glufs*27) in the DNAH8 gene. It is expected to result in an absent or disrupted protein product. Loss-of-function variants in DNAH8 are known to be pathogenic (PMID: 24307375, 32619401, 32681648). This variant is not present in population databases (gnomAD no frequency). For these reasons, this variant has been classified as Pathogenic. This variant has not been reported in the literature in individuals affected with DNAH8-related conditions.

Literature cited by the submitters: PubMed 24307375; PubMed 32619401; PubMed 32681648.

NM_001206927.2(DNAH8):c.321dup (p.Arg108fs)

Genes: DNAH8 (dynein axonemal heavy chain 8; plus strand), LOC126859667 (BRD4-independent group 4 enhancer GRCh37_chr6:38690326-38691525; plus strand). Cytogenetic location: 6p21.2.
Variant type: Duplication.
Coding change: c.321dup on transcript NM_001206927.2 (MANE Select); coding-DNA position 321, one base duplicated (G; older notation c.321dupG).
Protein change: p.Arg108fs; shifts the reading frame from arginine 108.
Molecular consequence: frameshift variant. On other transcripts: 5 prime UTR variant (1).
Genome position (GRCh38, 1-based): chr6:38,723,130, G duplicated; the last of 2 consecutive G bases (chr6:38,723,129-38,723,130); duplicating either gives the same sequence. VCF-style (leftmost placement, unchanged base first): chr6-38723128-C-CG. GRCh37 (hg19) VCF-style: chr6-38690904-C-CG.
Other names: c.-246dup (NM_001371.4); short protein forms R108fs.
Identifiers: ClinVar variation 2757516 (VCV002757516.3), dbSNP rs2533985399, ClinGen allele CA2697553311.
Genomic context (GRCh38, chr6:38,723,128, plus strand): 5'-AGGCTTGCACCGCGACCGGTTCAGTCAGTGATTTCGGAAGTGCTGTCCTTGCCGTCTTCC[C>CG]GGAGGTCCTCCAGATACCGCCGGAGTATGAGTGGCCTTCCCAATCTACAGGAAACATTAA-3'